The following is an entry in ClinVar:

ClinVar aggregate classification (germline): Pathogenic (1 of 4 stars; one submission).

Submission:

ISCA Site 6
Classification: Pathogenic. Last evaluated: 2011-08-12. Review status: criteria provided, single submitter. Criteria: Kaminsky et al. (Genet Med. 2011). Collection method: clinical testing. Allele origin: unknown. Affected: yes. Observed: 1 variant allele.
Comment: Copy number variation identified through the course of routine clinical cytogenomic testing in postnatal populations. Clinical assertions have been curated as described in Kaminsky et al. 2011.

GRCh38/hg38 22q13.2-13.33(chr22:42826246-50739836)x1

Genes: BIK (BCL2 interacting killer; plus strand), ACR (acrosin; plus strand), ADM2 (adrenomedullin 2; plus strand), ALG12 (ALG12 alpha-1,6-mannosyltransferase; minus strand), ARFGAP3 (ARF GTPase activating protein 3; minus strand) and 481 more. Cytogenetic location: 22q13.2-13.33.
Variant type: copy number loss.
Change: copy number 1 (one copy instead of two) of chr22:42,826,246-50,739,836 (7.91 Mb, GRCh38 coordinates, 1-based), cytogenetic band 22q13.2-13.33.
Identifiers: ClinVar variation 57669 (VCV000057669.3).